The following is an entry in ClinVar:

ClinVar aggregate classification (germline): Uncertain significance (3 of 4 stars; one submission).

Conditions:
Phenylketonuria (PKU). Also called: OLIGOPHRENIA PHENYLPYRUVICA; Phenylketonurias; FOLLING DISEASE; Phenylketonuria (PKU). Identifiers: Orphanet 716, MedGen C0031485, MONDO:0009861, OMIM 261600. Disease mechanism: loss of function.

Submission:

ClinGen PAH Variant Curation Expert Panel
Classification: Uncertain significance for Phenylketonuria. Last evaluated: 2018-12-10. Review status: reviewed by expert panel. Criteria: ClinGen PAH ACMG Specifications v1. Collection method: curation. Allele origin: germline. Inheritance: Autosomal recessive inheritance.
Comment: (Biopterin deficiency excluded. PMID: 1114275, PP4_Moderate) It was detected with c.442-2G>A (not in ClinVar). This variant is absent from ExAC, gnomAD, 1000G and ESP. A deleterious effect is predicted in SIFT, Polyphen-2, MutationTaster, and REVEL=0.976. In summary, this variant meets criteria to be classified as uncertain significance for PAH. PAH-specific ACMG/AMP criteria applied: PP4_Moderate, PM2, PP3.

Literature cited by the submitters: PubMed 11142755.

NM_000277.3(PAH):c.817T>C (p.Ser273Pro)

Gene: PAH (phenylalanine hydroxylase; minus strand). Cytogenetic location: 12q23.2.
Variant type: single nucleotide variant.
Coding change: c.817T>C on transcript NM_000277.3 (MANE Select); coding-DNA position 817, T replaced by C.
Protein change: p.Ser273Pro; replaces serine 273 with proline.
Molecular consequence: missense variant.
Genome position (GRCh38, 1-based): chr12:102,852,840, A>G on the plus strand (T>C on the coding strand, the complement: PAH is on the minus strand). VCF-style: chr12-102852840-A-G. GRCh37 (hg19) VCF-style: chr12-103246618-A-G.
Other names: c.817T>C, p.Ser273Pro (NM_001354304.2); short protein forms S273P.
Identifiers: ClinVar variation 619148 (VCV000619148.2), dbSNP rs1565846754, ClinGen allele CA16020866.
Genomic context (GRCh38, chr12:102,852,840, plus strand): 5'-TGCCTGGCAACTGGTAGCTGGAGGACAGTACTCACGGTTCGGGGGTATACATGGGCTTGG[A>G]TCCATGTCTGATGTACTGTGTGCAGTGGAAGACTCGGAAGGCCAGGCCACCCAAGAAATC-3'
Protein context (NP_000268.1, residues 263-283): FHCTQYIRHG[Ser273Pro]KPMYTPEPDI